The following is an entry in ClinVar:

ClinVar aggregate classification (germline): Pathogenic (1 of 4 stars; one submission).

Submission:

Labcorp Genetics (formerly Invitae), Labcorp
Classification: Pathogenic. Last evaluated: 2023-09-09. Review status: criteria provided, single submitter. Criteria: Invitae Variant Classification Sherloc (09022015). Collection method: clinical testing. Allele origin: germline.
Comment: For these reasons, this variant has been classified as Pathogenic. This variant has not been reported in the literature in individuals affected with NDUFS7-related conditions. This variant is not present in population databases (gnomAD no frequency). This sequence change creates a premature translational stop signal (p.Gln32*) in the NDUFS7 gene. It is expected to result in an absent or disrupted protein product. Loss-of-function variants in NDUFS7 are known to be pathogenic (PMID: 17604671).

Literature cited by the submitters: PubMed 17604671.

NM_024407.5(NDUFS7):c.94C>T (p.Gln32Ter)

Gene: NDUFS7 (NADH:ubiquinone oxidoreductase core subunit S7; plus strand). Cytogenetic location: 19p13.3.
Variant type: single nucleotide variant.
Coding change: c.94C>T on transcript NM_024407.5 (MANE Select); coding-DNA position 94, C replaced by T.
Protein change: p.Gln32Ter; replaces glutamine 32 with a stop codon.
Molecular consequence: nonsense.
Genome position (GRCh38, 1-based): chr19:1,388,565, C>T. VCF-style: chr19-1388565-C-T. GRCh37 (hg19) VCF-style: chr19-1388564-C-T.
Other names: c.94C>T, p.Gln32Ter (NM_001363602.2); short protein forms Q32*.
Identifiers: ClinVar variation 2759429 (VCV002759429.3), dbSNP rs2512205352, ClinGen allele CA402982883.